The following is an entry in ClinVar:

ClinVar aggregate classification (germline): Uncertain significance (1 of 4 stars; one submission).

Conditions:
ALG6-congenital disorder of glycosylation 1C (CDG1C). Also called: CARBOHYDRATE-DEFICIENT GLYCOPROTEIN SYNDROME, TYPE I, WITH DEFICIENT GLYCOSYLATION OF DOLICHOL-LINKED OLIGOSACCHARIDE; CARBOHYDRATE-DEFICIENT GLYCOPROTEIN SYNDROME, TYPE V; Congenital disorder of glycosylation type 1C; Congenital disorder of glycosylation, type Ic; CDG Ic. Identifiers: Orphanet 79320, MedGen C2930997, MONDO:0011291, OMIM 603147.

Allele frequency attached by ClinVar (database versions not stated): gnomAD exomes below 0.00001; TOPMed below 0.00001; ExAC 0.00001.
gnomAD v4.1: 2 of 1,613,234 alleles (0.00012%); highest among the groups gnomAD compares: Admixed American, 0.0033%; no homozygotes.

Submission:

Labcorp Genetics (formerly Invitae), Labcorp
Classification: Uncertain significance for ALG6-congenital disorder of glycosylation 1C. Last evaluated: 2024-04-10. Review status: criteria provided, single submitter. Criteria: Invitae Variant Classification Sherloc (09022015). Collection method: clinical testing. Allele origin: germline.
Comment: This sequence change replaces leucine, which is neutral and non-polar, with arginine, which is basic and polar, at codon 286 of the ALG6 protein (p.Leu286Arg). This variant is present in population databases (rs768557367, gnomAD 0.003%). This variant has not been reported in the literature in individuals affected with ALG6-related conditions. ClinVar contains an entry for this variant (Variation ID: 2141958). Advanced modeling of protein sequence and biophysical properties (such as structural, functional, and spatial information, amino acid conservation, physicochemical variation, residue mobility, and thermodynamic stability) performed at Invitae indicates that this missense variant is expected to disrupt ALG6 protein function with a positive predictive value of 80%. In summary, the available evidence is currently insufficient to determine the role of this variant in disease. Therefore, it has been classified as a Variant of Uncertain Significance.

NM_013339.4(ALG6):c.857T>G (p.Leu286Arg)

Gene: ALG6 (ALG6 alpha-1,3-glucosyltransferase; plus strand). Cytogenetic location: 1p31.3.
Variant type: single nucleotide variant.
Coding change: c.857T>G on transcript NM_013339.4 (MANE Select); coding-DNA position 857, T replaced by G.
Protein change: p.Leu286Arg; replaces leucine 286 with arginine.
Molecular consequence: missense variant.
Genome position (GRCh38, 1-based): chr1:63,414,101, T>G. VCF-style: chr1-63414101-T-G. GRCh37 (hg19) VCF-style: chr1-63879772-T-G.
Other names: short protein forms L286R.
Identifiers: ClinVar variation 2141958 (VCV002141958.2), dbSNP rs768557367, ClinGen allele CA888279.